The following is an entry in ClinVar:

ClinVar aggregate classification (germline): Uncertain significance. Review status: criteria provided, multiple submitters, no conflicts (2 of 4 stars). 2 submissions from 2 submitters: Uncertain significance (2). Last evaluated 2024-03-28.

Conditions:
Cardiomyopathy (CMYO). Also called: Cardiomyopathies. Identifiers: Orphanet 167848, MedGen C0878544, MONDO:0004994, HP:0001638. Inheritance: Various modes of inheritance.
Arrhythmogenic right ventricular dysplasia 10. Also called: Arrhythmogenic Right Ventricular Dysplasia/Cardiomyopathy10; Arrhythmogenic right ventricular dysplasia/cardiomyopathy, type 10; ARRHYTHMOGENIC RIGHT VENTRICULAR DYSPLASIA, FAMILIAL, 10. Identifiers: MedGen C1857777, MONDO:0012434, OMIM 610193.

Allele frequency attached by ClinVar (database versions not stated): ExAC 0.00001.
gnomAD v4.1: 3 of 1,613,764 alleles (0.00019%); highest among the groups gnomAD compares: East Asian, 0.0067%; no homozygotes.

Submissions (2):

Labcorp Genetics (formerly Invitae), Labcorp
Classification: Uncertain significance for Arrhythmogenic right ventricular dysplasia 10. Last evaluated: 2024-03-28. Review status: criteria provided, single submitter. Criteria: Invitae Variant Classification Sherloc (09022015). Collection method: clinical testing. Allele origin: germline.
Comment: This sequence change replaces threonine, which is neutral and polar, with arginine, which is basic and polar, at codon 217 of the DSG2 protein (p.Thr217Arg). This variant is present in population databases (rs776720174, gnomAD 0.02%). This variant has not been reported in the literature in individuals affected with DSG2-related conditions. Advanced modeling of protein sequence and biophysical properties (such as structural, functional, and spatial information, amino acid conservation, physicochemical variation, residue mobility, and thermodynamic stability) performed at Invitae indicates that this missense variant is not expected to disrupt DSG2 protein function with a negative predictive value of 95%. In summary, the available evidence is currently insufficient to determine the role of this variant in disease. Therefore, it has been classified as a Variant of Uncertain Significance.

Color Diagnostics, LLC DBA Color Health
Classification: Uncertain significance for Cardiomyopathy. Last evaluated: 2024-03-06. Review status: criteria provided, single submitter. Criteria: ACMG Guidelines, 2015. Collection method: clinical testing. Allele origin: germline.
Comment: This missense variant replaces threonine with arginine at codon 217 of the DSG2 protein. Computational prediction is inconclusive regarding the impact of this variant on protein structure and function (internally defined REVEL score threshold 0.5 < inconclusive < 0.7, PMID: 27666373). To our knowledge, functional studies have not been reported for this variant. This variant has not been reported in individuals affected with cardiovascular disorders in the literature. This variant has been identified in 4/249438 chromosomes in the general population by the Genome Aggregation Database (gnomAD). The available evidence is insufficient to determine the role of this variant in disease conclusively. Therefore, this variant is classified as a Variant of Uncertain Significance.

NM_001943.5(DSG2):c.650C>G (p.Thr217Arg)

Gene: DSG2 (desmoglein 2; plus strand). Cytogenetic location: 18q12.1.
Variant type: single nucleotide variant.
Coding change: c.650C>G on transcript NM_001943.5 (MANE Select); coding-DNA position 650, C replaced by G.
Protein change: p.Thr217Arg; replaces threonine 217 with arginine.
Molecular consequence: missense variant.
Genome position (GRCh38, 1-based): chr18:31,522,209, C>G. VCF-style: chr18-31522209-C-G. GRCh37 (hg19) VCF-style: chr18-29102172-C-G.
Other names: short protein forms T217R.
Identifiers: ClinVar variation 2775211 (VCV002775211.4), dbSNP rs776720174, ClinGen allele CA049561.